The following is an entry in ClinVar:

ClinVar aggregate classification (germline): Uncertain significance (1 of 4 stars; one submission).

Conditions:
Inborn genetic diseases. Identifiers: MedGen C0950123, MeSH D030342.

gnomAD v4.1: 1 of 1,613,796 alleles (0.000062%); highest among the groups gnomAD compares: Admixed American, 0.0017%; no homozygotes.

Submission:

Ambry Genetics
Classification: Uncertain significance for Inborn genetic diseases. Last evaluated: 2025-11-24. Review status: criteria provided, single submitter. Criteria: Ambry Variant Classification Scheme 2023. Collection method: clinical testing. Allele origin: germline.
Comment: The c.1908G>T (p.E636D) alteration is located in exon 20 (coding exon 20) of the SMARCC1 gene. This alteration results from a G to T substitution at nucleotide position 1908, causing the glutamic acid (E) at amino acid position 636 to be replaced by an aspartic acid (D). Based on data from gnomAD, the T allele has an overall frequency of 0.003% (1/31408) total alleles studied. The highest observed frequency was 0.118% (1/848) of Latino alleles. Based on insufficient or conflicting evidence, the clinical significance of this alteration remains unclear.

NM_003074.4(SMARCC1):c.1908G>T (p.Glu636Asp)

Gene: SMARCC1 (SWI/SNF related BAF chromatin remodeling complex subunit C1; minus strand). Cytogenetic location: 3p21.31.
Variant type: single nucleotide variant.
Coding change: c.1908G>T on transcript NM_003074.4 (MANE Select); coding-DNA position 1908, G replaced by T.
Protein change: p.Glu636Asp; replaces glutamic acid 636 with aspartic acid.
Molecular consequence: missense variant.
Genome position (GRCh38, 1-based): chr3:47,662,584, C>A on the plus strand (G>T on the coding strand, the complement: SMARCC1 is on the minus strand). VCF-style: chr3-47662584-C-A. GRCh37 (hg19) VCF-style: chr3-47704074-C-A.
Other names: short protein forms E636D.
Identifiers: ClinVar variation 4631660 (VCV004631660.1).